The following is an entry in ClinVar:

ClinVar aggregate classification (germline): Conflicting classifications of pathogenicity. Review status: criteria provided, conflicting classifications (1 of 4 stars). 4 submissions from 4 submitters: Pathogenic (3); Uncertain significance (1). Last evaluated 2026-02-03.

Conditions:
Hyperinsulinemic hypoglycemia, familial, 1 (HHF1). Also called: Persistent hyperinsulinemic hypoglycemia of infancy; NESIDIOBLASTOSIS OF PANCREAS; Persistent Hyperinsulinemia Hypoglycemia of Infancy; HYPERINSULINISM, FAMILIAL, WITH PANCREATIC NESIDIOBLASTOSIS; HYPOGLYCEMIA, HYPERINSULINEMIC, OF INFANCY. Identifiers: Orphanet 276575, Orphanet 276598, MedGen C2931832, MONDO:0009734, OMIM 256450.

Allele frequency attached by ClinVar (database versions not stated): gnomAD 0.00001.

Submissions (4):

GeneDx
Classification: Uncertain significance. Last evaluated: 2026-02-03. Review status: criteria provided, single submitter. Criteria: GeneDx Variant Classification Process June 2021. Collection method: clinical testing. Allele origin: germline.
Comment: Not observed at significant frequency in large population cohorts (gnomAD); In silico analysis supports that this missense variant has a deleterious effect on protein structure/function; Also known as p.(S1387F); This variant is associated with the following publications: (PMID: 21968111, 10204114, 17575084, 15371948, 20685672, 28587604, 24814349, 21422196, 21536946)

Labcorp Genetics (formerly Invitae), Labcorp
Classification: Pathogenic. Last evaluated: 2023-09-08. Review status: criteria provided, single submitter. Criteria: Invitae Variant Classification Sherloc (09022015). Collection method: clinical testing. Allele origin: germline.
Comment: For these reasons, this variant has been classified as Pathogenic. Experimental studies have shown that this missense change affects ABCC8 function (PMID: 21536946). Advanced modeling of protein sequence and biophysical properties (such as structural, functional, and spatial information, amino acid conservation, physicochemical variation, residue mobility, and thermodynamic stability) performed at Invitae indicates that this missense variant is expected to disrupt ABCC8 protein function. ClinVar contains an entry for this variant (Variation ID: 446775). This variant is also known as p.Ser1387Phe. This missense change has been observed in individual(s) with congenital hyperinsulinism (PMID: 21422196, 21536946, 24814349). In at least one individual the variant was observed to be de novo. This variant is not present in population databases (gnomAD no frequency). This sequence change replaces serine, which is neutral and polar, with phenylalanine, which is neutral and non-polar, at codon 1386 of the ABCC8 protein (p.Ser1386Phe).

Athena Diagnostics
Classification: Pathogenic. Last evaluated: 2016-09-01. Review status: criteria provided, single submitter. Criteria: Athena Diagnostics Criteria. Collection method: clinical testing. Allele origin: germline.

3billion
Classification: Pathogenic for Hyperinsulinemic hypoglycemia, familial, 1. Review status: criteria provided, single submitter. Criteria: ACMG Guidelines, 2015. Collection method: clinical testing. Allele origin: unknown. Affected: yes. Observed: 1 heterozygote.
Comment: The variant is not observed in the gnomAD v2.1.1 dataset. The variant is located in a mutational hot spot and/or well-established functional domain in which established pathogenic variants have been reported. In silico tool predictions suggest damaging effect of the variant on gene or gene product (REVEL: 0.92; 3Cnet: 0.98). Same nucleotide change resulting in same amino acid change has been previously reported as pathogenic/likely pathogenic with strong evidence (ClinVar ID: VCV000446775 / PMID: 10204114). A different missense change at the same codon (p.Ser1386Tyr) has been reported to be associated with ABCC8 -related disorder (PMID: 21536946). Therefore, this variant is classified as Pathogenic according to the recommendation of ACMG/AMP guideline.

Literature cited by the submitters: PubMed 21536946 (cited by 3 submitters); PubMed 21422196 (cited by Labcorp Genetics (formerly Invitae), Labcorp and Athena Diagnostics); PubMed 24814349 (cited by Labcorp Genetics (formerly Invitae), Labcorp and Athena Diagnostics); PubMed 20685672 (cited by Athena Diagnostics); PubMed 15371948 (cited by Athena Diagnostics); PubMed 14715863 (cited by Athena Diagnostics); PubMed 21968111 (cited by Athena Diagnostics); PubMed 17575084 (cited by Athena Diagnostics); PubMed 10204114 (cited by 3billion).

NM_000352.6(ABCC8):c.4157C>T (p.Ser1386Phe)

Gene: ABCC8 (ATP binding cassette subfamily C member 8; minus strand). Cytogenetic location: 11p15.1.
Variant type: single nucleotide variant.
Coding change: c.4157C>T on transcript NM_000352.6 (MANE Select); coding-DNA position 4157, C replaced by T.
Protein change: p.Ser1386Phe; replaces serine 1386 with phenylalanine.
Molecular consequence: missense variant. On other transcripts: non-coding transcript variant (1).
Genome position (GRCh38, 1-based): chr11:17,395,893, G>A on the plus strand (C>T on the coding strand, the complement: ABCC8 is on the minus strand). VCF-style: chr11-17395893-G-A. GRCh37 (hg19) VCF-style: chr11-17417440-G-A.
Other names: c.4160C>T, p.Ser1387Phe (NM_001287174.3); c.4223C>T, p.Ser1408Phe (NM_001351295.2); c.4157C>T, p.Ser1386Phe (NM_001351296.2); c.4154C>T, p.Ser1385Phe (NM_001351297.2); short protein forms S1386F, S1387F, S1385F, S1408F.
Identifiers: ClinVar variation 446775 (VCV000446775.11), dbSNP rs72559718, ClinGen allele CA218408231.